The following is an entry in ClinVar:

NM_001382430.1(AKT1):c.207_230dup (p.Arg76_Cys77insTrpProAsnThrPheIleIleArg)

Gene: AKT1 (AKT serine/threonine kinase 1; minus strand). Cytogenetic location: 14q32.33.
Variant type: Duplication.
Coding change: c.207_230dup on transcript NM_001382430.1 (MANE Select); coding-DNA positions 207 to 230, 24 bases duplicated (GCCCAACACCTTCATCATCCGCTG).
Protein change: p.Arg76_Cys77insTrpProAsnThrPheIleIleArg.
Genome position (GRCh38, 1-based): chr14:104,776,716-104,776,739, CAGCGGATGATGAAGGTGTTGGGC duplicated on the plus strand (GCCCAACACCTTCATCATCCGCTG on the coding strand, the reverse complement: AKT1 is on the minus strand); duplicating any 24 consecutive bases within chr14:104,776,716-104,776,740 gives the same sequence; the c. name uses the placement nearest the transcript's 3' end. VCF-style (leftmost placement, unchanged base first): chr14-104776715-G-GCAGCGGATGATGAAGGTGTTGGGC. GRCh37 (hg19) VCF-style: chr14-105243052-G-GCAGCGGATGATGAAGGTGTTGGGC.
Other names: c.207_230dup, p.Arg76_Cys77insTrpProAsnThrPheIleIleArg (NM_001014431.2, NM_001014432.2, NM_001382431.1 and 3 more transcripts).
Identifiers: ClinVar variation 4530180 (VCV004530180.1).

ClinVar aggregate classification (somatic clinical impact): Tier II - Potential (1 of 4 stars; one submission).

Conditions:
serous cystadenoma/endometrioid carcinoma.

Submission:

Institute for Genomic Medicine (IGM) Clinical Laboratory, Nationwide Children's Hospital
Classification: Tier II - Potential for serous cystadenoma/endometrioid carcinoma. Assertion type: diagnostic. Clinical significance: supports diagnosis. Last evaluated: 2023-05-28. Review status: criteria provided, single submitter. Criteria: AMP/ASCO/CAP Guidelines, 2017. Collection method: clinical testing. Allele origin: somatic. Affected: yes.
Comment: Variant has Tier II (potential) clinical significance as a diagnostic inclusion criterion in serous cystadenoma/endometrioid carcinoma, based on the following evidence: 1) Diagnostic significance based on multiple small studies (Evidence Level C; PMIDs: 26137586, 35440569, 29247016).

Literature cited by the submitters: PubMed 26137586; PubMed 35440569; PubMed 29247016.